The following is an entry in ClinVar:

NM_000051.4(ATM):c.4156A>G (p.Ile1386Val)

Gene: ATM (ATM serine/threonine kinase; plus strand). Cytogenetic location: 11q22.3.
Variant type: single nucleotide variant.
Coding change: c.4156A>G on transcript NM_000051.4 (MANE Select); coding-DNA position 4156, A replaced by G.
Protein change: p.Ile1386Val; replaces isoleucine 1386 with valine.
Molecular consequence: missense variant.
Genome position (GRCh38, 1-based): chr11:108,289,023, A>G. VCF-style: chr11-108289023-A-G. GRCh37 (hg19) VCF-style: chr11-108159750-A-G.
Other names: c.4156A>G, p.Ile1386Val (NM_001351834.2); short protein forms I1386V.
Identifiers: ClinVar variation 490558 (VCV000490558.8), dbSNP rs1555096895, ClinGen allele CA382530036.
Genomic context (GRCh38, chr11:108,289,023, plus strand): 5'-CTTAACTCTGTTAGGGATTTGGATCCTGCTCCTAATCCACCTCATTTTCCATCGCATGTG[A>G]TTAAAGCAACATTTGCCTATATCAGCAATTGTCATAAAACCAAGTTAAAAAGCATTTTAG-3'
Protein context (NP_000042.3, residues 1376-1396): PNPPHFPSHV[Ile1386Val]KATFAYISNC

ClinVar aggregate classification (germline): Uncertain significance. Review status: criteria provided, multiple submitters, no conflicts (2 of 4 stars). 2 submissions from 2 submitters: Uncertain significance (2). Last evaluated 2023-12-04.

Conditions:
Hereditary cancer-predisposing syndrome. Also called: Hereditary Cancer Syndrome; Neoplastic Syndromes, Hereditary; Tumor predisposition; Hereditary neoplastic syndrome. Identifiers: Orphanet 140162, MedGen C0027672, MeSH D009386, MONDO:0015356.
Familial cancer of breast. Also called: Hereditary breast cancer; BREAST CANCER, FAMILIAL; hereditary breast carcinoma. Identifiers: Orphanet 227535, MedGen C0346153, MONDO:0016419, OMIM 114480. Disease mechanism: loss of function.

Allele frequency attached by ClinVar (database versions not stated): gnomAD exomes below 0.00001.
gnomAD v4.1: 1 of 1,613,558 alleles (0.000062%); highest among the groups gnomAD compares: African/African-American, 0.0013%; no homozygotes.

Submissions (2):

Color Diagnostics, LLC DBA Color Health
Classification: Uncertain significance for Hereditary cancer-predisposing syndrome. Last evaluated: 2023-12-04. Review status: criteria provided, single submitter. Criteria: ACMG Guidelines, 2015. Collection method: clinical testing. Allele origin: germline.
Comment: This missense variant replaces isoleucine with valine at codon 1386 of the ATM protein. Computational prediction suggests that this variant may not impact protein structure and function (internally defined REVEL score threshold <= 0.5, PMID: 27666373). To our knowledge, functional studies have not been reported for this variant. This variant has not been reported in individuals affected with ATM-related disorders in the literature. This variant has not been identified in the general population by the Genome Aggregation Database (gnomAD). The available evidence is insufficient to determine the role of this variant in disease conclusively. Therefore, this variant is classified as a Variant of Uncertain Significance.

MGZ Medical Genetics Center
Classification: Uncertain significance for Familial cancer of breast. Last evaluated: 2022-02-24. Review status: criteria provided, single submitter. Criteria: ACMG Guidelines, 2015. Collection method: clinical testing. Allele origin: germline. Affected: yes. Observed: 1 variant allele.
Comment: ACMG criteria applied: PM2_SUP, BP4